The following is an entry in ClinVar:

NM_022072.5(NSUN3):c.849C>T (p.His283=)

Gene: NSUN3 (NOP2/Sun RNA methyltransferase 3; plus strand). Cytogenetic location: 3q11.2.
Variant type: single nucleotide variant.
Coding change: c.849C>T on transcript NM_022072.5 (MANE Select); coding-DNA position 849, C replaced by T.
Protein change: p.His283=; no amino-acid change (histidine 283 retained).
Molecular consequence: synonymous variant.
Genome position (GRCh38, 1-based): chr3:94,126,316, C>T. VCF-style: chr3-94126316-C-T. GRCh37 (hg19) VCF-style: chr3-93845160-C-T.
Identifiers: ClinVar variation 3046946 (VCV003046946.2), dbSNP rs772421224, ClinGen allele CA2504809.

ClinVar aggregate classification (germline): Likely benign (0 of 4 stars; one submission).

Conditions:
NSUN3-related disorder. Also called: NSUN3-related condition.

Allele frequency attached by ClinVar (database versions not stated): gnomAD exomes 0.00001; ExAC 0.00002; gnomAD 0.00003; TOPMed 0.00003.
gnomAD v4.1: 13 of 1,614,068 alleles (0.00081%); highest among the groups gnomAD compares: East Asian, 0.0045%; no homozygotes.

Submission:

PreventionGenetics, part of Exact Sciences
Classification: Likely benign for NSUN3-related condition. Last evaluated: 2019-03-29. Review status: no assertion criteria provided. Collection method: clinical testing. Allele origin: germline.
Comment: This variant is classified as likely benign based on ACMG/AMP sequence variant interpretation guidelines (Richards et al. 2015 PMID: 25741868, with internal and published modifications).